The following is an entry in ClinVar:

ClinVar aggregate classification (germline): Uncertain significance. Review status: criteria provided, multiple submitters, no conflicts (2 of 4 stars). 2 submissions from 2 submitters: Uncertain significance (2). Last evaluated 2025-08-29.

Submissions (2):

Ambry Genetics
Classification: Uncertain significance. Last evaluated: 2025-08-29. Review status: criteria provided, single submitter. Criteria: Ambry Variant Classification Scheme 2023. Collection method: clinical testing. Allele origin: germline.

Labcorp Genetics (formerly Invitae), Labcorp
Classification: Uncertain significance. Last evaluated: 2025-04-11. Review status: criteria provided, single submitter. Criteria: Invitae Variant Classification Sherloc (09022015). Collection method: clinical testing. Allele origin: germline.
Comment: This sequence change replaces alanine, which is neutral and non-polar, with valine, which is neutral and non-polar, at codon 168 of the AQP1 protein (p.Ala168Val). This variant is present in population databases (rs200005344, gnomAD 0.03%). This variant has not been reported in the literature in individuals affected with AQP1-related conditions. Invitae Evidence Modeling of protein sequence and biophysical properties (such as structural, functional, and spatial information, amino acid conservation, physicochemical variation, residue mobility, and thermodynamic stability) indicates that this missense variant is not expected to disrupt AQP1 protein function with a negative predictive value of 80%. In summary, the available evidence is currently insufficient to determine the role of this variant in disease. Therefore, it has been classified as a Variant of Uncertain Significance.

NM_198098.4(AQP1):c.503C>T (p.Ala168Val)

Gene: AQP1 (aquaporin 1 (Colton blood group); plus strand). Cytogenetic location: 7p14.3.
Variant type: single nucleotide variant.
Coding change: c.503C>T on transcript NM_198098.4 (MANE Select); coding-DNA position 503, C replaced by T.
Protein change: p.Ala168Val; replaces alanine 168 with valine.
Molecular consequence: missense variant.
Genome position (GRCh38, 1-based): chr7:30,922,184, C>T. VCF-style: chr7-30922184-C-T. GRCh37 (hg19) VCF-style: chr7-30961799-C-T.
Other names: c.503C>T, p.Ala168Val (NM_001329872.2); short protein forms A168V.
Identifiers: ClinVar variation 4128351 (VCV004128351.2).
Genomic context (GRCh38, chr7:30,922,184, plus strand): 5'-AGCTGGTGCTATGCGTGCTGGCTACTACCGACCGGAGGCGCCGTGACCTTGGTGGCTCAG[C>T]CCCCCTTGCCATCGGCCTCTCTGTAGCCCTTGGACACCTCCTGGCTGTGAGTCAGGGGCC-3'
Protein context (NP_932766.1, residues 158-178): DRRRRDLGGS[Ala168Val]PLAIGLSVAL